The following is an entry in ClinVar:

ClinVar aggregate classification (germline): Likely pathogenic (1 of 4 stars; one submission).

Conditions:
Cardiovascular phenotype. Identifiers: MedGen CN230736.

Submission:

Ambry Genetics
Classification: Likely pathogenic for Cardiovascular phenotype. Last evaluated: 2026-03-12. Review status: criteria provided, single submitter. Criteria: Ambry Variant Classification Scheme 2023. Collection method: clinical testing. Allele origin: germline.
Comment: The p.H314Q variant (also known as c.942C>G), located in coding exon 6 of the ACVRL1 gene, results from a C to G substitution at nucleotide position 942. The histidine at codon 314 is replaced by glutamine, an amino acid with highly similar properties. This variant was reported in individual(s) with features consistent with hereditary hemorrhagic telangiectasia (Heimdal K et al. Clin Genet, 2016 Feb;89:182-6; Ambry internal data). Based on internal structural analysis, this variant is anticipated to disrupt a region of known function (Kerr G et al. Angiogenesis, 2015 Apr;18:209-17). This amino acid position is highly conserved in available vertebrate species. In addition, this alteration is predicted to be deleterious by in silico analysis. This variant is considered to be rare based on population cohorts in the Genome Aggregation Database (gnomAD). Based on the majority of available evidence to date, this variant is likely to be pathogenic.

Literature cited by the submitters: PubMed 25557927; PubMed 25970827.

NM_000020.3(ACVRL1):c.942C>G (p.His314Gln)

Gene: ACVRL1 (activin A receptor like type 1; plus strand). Cytogenetic location: 12q13.13.
Variant type: single nucleotide variant.
Coding change: c.942C>G on transcript NM_000020.3 (MANE Select); coding-DNA position 942, C replaced by G.
Protein change: p.His314Gln; replaces histidine 314 with glutamine.
Molecular consequence: missense variant.
Genome position (GRCh38, 1-based): chr12:51,915,394, C>G. VCF-style: chr12-51915394-C-G. GRCh37 (hg19) VCF-style: chr12-52309178-C-G.
Other names: c.630C>G, p.His210Gln (NM_001406491.1, NM_001406492.1, NM_001406493.1 and 2 more transcripts); c.378C>G, p.His126Gln (NM_001406495.1); c.942C>G, p.His314Gln (NM_001077401.2, NM_001406487.1, NM_001406488.1 and 1 more transcripts); short protein forms H314Q, H126Q, H210Q.
Identifiers: ClinVar variation 4827318 (VCV004827318.1).